The following is an entry in ClinVar:

ClinVar aggregate classification (germline): Uncertain significance (1 of 4 stars; one submission).

Conditions:
Chédiak-Higashi syndrome (CHS). Also called: Chediak-Higashi Syndrome. Identifiers: Orphanet 167, MedGen C0007965, MONDO:0008963, OMIM 214500.

Submission:

Labcorp Genetics (formerly Invitae), Labcorp
Classification: Uncertain significance for Chédiak-Higashi syndrome. Last evaluated: 2022-06-09. Review status: criteria provided, single submitter. Criteria: Invitae Variant Classification Sherloc (09022015). Collection method: clinical testing. Allele origin: germline.
Comment: In summary, the available evidence is currently insufficient to determine the role of this variant in disease. Therefore, it has been classified as a Variant of Uncertain Significance. Algorithms developed to predict the effect of missense changes on protein structure and function (SIFT, PolyPhen-2, Align-GVGD) all suggest that this variant is likely to be tolerated. This variant has not been reported in the literature in individuals affected with LYST-related conditions. This variant is not present in population databases (gnomAD no frequency). This sequence change replaces glycine, which is neutral and non-polar, with alanine, which is neutral and non-polar, at codon 1010 of the LYST protein (p.Gly1010Ala).

NM_000081.4(LYST):c.3029G>C (p.Gly1010Ala)

Gene: LYST (lysosomal trafficking regulator; minus strand). Cytogenetic location: 1q42.3.
Variant type: single nucleotide variant.
Coding change: c.3029G>C on transcript NM_000081.4 (MANE Select); coding-DNA position 3029, G replaced by C.
Protein change: p.Gly1010Ala; replaces glycine 1010 with alanine.
Molecular consequence: missense variant.
Genome position (GRCh38, 1-based): chr1:235,806,107, C>G on the plus strand (G>C on the coding strand, the complement: LYST is on the minus strand). VCF-style: chr1-235806107-C-G. GRCh37 (hg19) VCF-style: chr1-235969407-C-G.
Other names: c.3029G>C, p.Gly1010Ala (NM_001301365.1); short protein forms G1010A.
Identifiers: ClinVar variation 2004114 (VCV002004114.4), dbSNP rs781014417, ClinGen allele CA344954128.